The following is an entry in ClinVar:

NM_006060.6(IKZF1):c.283T>C (p.Ser95Pro)

Gene: IKZF1 (IKAROS family zinc finger 1; plus strand). Cytogenetic location: 7p12.2.
Variant type: single nucleotide variant.
Coding change: c.283T>C on transcript NM_006060.6 (MANE Select); coding-DNA position 283, T replaced by C.
Protein change: p.Ser95Pro; replaces serine 95 with proline.
Molecular consequence: missense variant. On other transcripts: intron variant (9).
Genome position (GRCh38, 1-based): chr7:50,376,655, T>C. VCF-style: chr7-50376655-T-C. GRCh37 (hg19) VCF-style: chr7-50444353-T-C.
Other names: c.283T>C, p.Ser95Pro (NM_001220765.3, NM_001220768.2, NM_001220771.2 and 1 more transcripts); c.343T>C, p.Ser115Pro (NM_001410879.1); c.161-5885T>C (NM_001291839.2, NM_001291838.2, NM_001220767.2 and 1 more transcripts); c.161-10690T>C (NM_001291841.1, NM_001291842.1); c.161-15074T>C (NM_001291843.1, NM_001291844.1); c.161-23263T>C (NM_001291840.1); short protein forms S115P, S95P.
Identifiers: ClinVar variation 2779387 (VCV002779387.3), dbSNP rs2538098282, ClinGen allele CA367527415.
Genomic context (GRCh38, chr7:50,376,655, plus strand): 5'-GGGGAAGAATGTGCGGAGGATTTACGAATGCTTGATGCCTCGGGAGAGAAAATGAATGGC[T>C]CCCACAGGGACCAAGGCAGCTCGGCTTTGTCGGGAGTTGGAGGCATTCGACTTCCTAACG-3'
Protein context (NP_006051.1, residues 85-105): LDASGEKMNG[Ser95Pro]HRDQGSSALS

ClinVar aggregate classification (germline): Uncertain significance (1 of 4 stars; one submission).

Allele frequency attached by ClinVar (database versions not stated): gnomAD exomes below 0.00001.
gnomAD v4.1: 1 of 1,613,812 alleles (0.000062%); highest among the groups gnomAD compares: African/African-American, 0.0013%; no homozygotes.

Submission:

Labcorp Genetics (formerly Invitae), Labcorp
Classification: Uncertain significance. Last evaluated: 2023-12-04. Review status: criteria provided, single submitter. Criteria: Invitae Variant Classification Sherloc (09022015). Collection method: clinical testing. Allele origin: germline.
Comment: This sequence change replaces serine, which is neutral and polar, with proline, which is neutral and non-polar, at codon 95 of the IKZF1 protein (p.Ser95Pro). This variant is not present in population databases (gnomAD no frequency). This variant has not been reported in the literature in individuals affected with IKZF1-related conditions. Algorithms developed to predict the effect of missense changes on protein structure and function output the following: SIFT: "Not Available"; PolyPhen-2: "Benign"; Align-GVGD: "Not Available". The proline amino acid residue is found in multiple mammalian species, which suggests that this missense change does not adversely affect protein function. In summary, the available evidence is currently insufficient to determine the role of this variant in disease. Therefore, it has been classified as a Variant of Uncertain Significance.